The following is an entry in ClinVar:

ClinVar aggregate classification (germline): Pathogenic/Likely pathogenic. Review status: criteria provided, multiple submitters, no conflicts (2 of 4 stars). 3 submissions from 3 submitters: Pathogenic (1); Likely pathogenic (2). Last evaluated 2025-08-29.

Conditions:
alpha Thalassemia. Also called: Alpha thalassemia spectrum. Identifiers: Orphanet 846, MedGen C0002312, MONDO:0011399, OMIM 604131.
Hemoglobin H disease (HBH). Also called: Hemoglobin H (HbH) Disease; ALPHA-THALASSEMIA, HEMOGLOBIN H TYPE; HEMOGLOBIN H DISEASE, DELETIONAL. Identifiers: Orphanet 93616, MedGen C3161174, MONDO:0013512, OMIM 613978. Disease mechanism: loss of function.
Methemoglobinemia, alpha type. Identifiers: MedGen C4693798, MONDO:0020835, OMIM 617973.
Heinz body anemia. Also called: Heinz body hemolytic anemia. Identifiers: Orphanet 178330, MedGen C0700299, MONDO:0007705, OMIM 140700, HP:0005511.
Erythrocytosis, familial, 7. Also called: ERYTHROCYTOSIS, ALPHA-GLOBIN TYPE; POLYCYTHEMIA, ALPHA-GLOBIN TYPE; ERYTHROCYTOSIS 7. Identifiers: MedGen C4693823, MONDO:0054802, OMIM 617981.

Allele frequency attached by ClinVar (database versions not stated): gnomAD exomes below 0.00001; gnomAD 0.00001; TOPMed 0.00001.

Submissions (3):

Natera, Inc.
Classification: Pathogenic for Alpha thalassemia. Last evaluated: 2025-08-29. Review status: criteria provided, single submitter. Criteria: Natera Variant Classification Schema (03/2026). Collection method: clinical testing. Allele origin: germline.
Comment: The c.62_63insT variant in HBA1 is a frameshift variant predicted to shift the reading frame beginning at codon 22 and leads to a stop codon 36 codons downstream. This variant is expected to result in nonsense mediated decay, truncation, or a dysfunctional protein product. This variant is rare in the general population with a frequency below the threshold expected for the associated phenotype(s). This variant has been observed in one or more individuals affected with the associated recessive disease, as either homozygous or compound heterozygous with a second variant (PMID: 38535125). Given the available evidence, this variant is classified as Pathogenic.

ARUP Laboratories, Molecular Genetics and Genomics, ARUP Laboratories
Classification: Likely pathogenic. Last evaluated: 2025-07-31. Review status: criteria provided, single submitter. Criteria: ARUP Molecular Germline Variant Investigation Process 2024. Collection method: clinical testing. Allele origin: germline.
Comment: The HBA1 c.62_63insT; p.Ala22ArgfsTer36 variant (also known as p.Ala21ArgfsTer36 when numbered from the mature protein and codon20(+T), rs281864571, HbVar ID: 2800, ClinVar Variation ID: 2428550), is reported in HbVar in an individual with dyserythropiesis. This variant is only observed on two allele in the Genome Aggregation Database (v2.1.1), but is considered a low confidence variant in the database. This variant causes a frameshift by inserting a single nucleotide, so it is predicted to result in a truncated protein or mRNA subject to nonsense-mediated decay. Based on available information, this variant is considered to be likely pathogenic References: Link to HbVar database

Fulgent Genetics
Classification: Likely pathogenic for Heinz body anemia; alpha Thalassemia; Hemoglobin H disease; Methemoglobinemia, alpha type; Erythrocytosis, familial, 7. Last evaluated: 2024-02-13. Review status: criteria provided, single submitter. Criteria: ACMG Guidelines, 2015. Collection method: clinical testing. Allele origin: germline.

Literature cited by the submitters: PubMed 38535125 (cited by Natera, Inc.).

NM_000558.5(HBA1):c.62_63insT (p.Ala22fs)

Genes: HBA1 (hemoglobin subunit alpha 1; plus strand), LOC106804613 (hemoglobin subunit alpha 1 recombination region; plus strand). Cytogenetic location: 16p13.3.
Variant type: Insertion.
Coding change: c.62_63insT on transcript NM_000558.5 (MANE Select); coding-DNA positions 62 to 63, T inserted.
Protein change: p.Ala22fs; shifts the reading frame from alanine 22.
Molecular consequence: frameshift variant.
Genome position: GRCh38 VCF-style: chr16-176778-A-AT. GRCh37 (hg19) VCF-style: chr16-226777-A-AT.
Other names: c.62_63insT (NM_000558.4); short protein forms A22fs.
Identifiers: ClinVar variation 2428550 (VCV002428550.6), dbSNP rs281864571, ClinGen allele CA276416492.
Genomic context (GRCh38, chr16:176,778, plus strand): 5'-TGGTGCTGTCTCCTGCCGACAAGACCAACGTCAAGGCCGCCTGGGGTAAGGTCGGCGCGC[A>AT]CGCTGGCGAGTATGGTGCGGAGGCCCTGGAGAGGTGAGGCTCCCTCCCCTGCTCCGACCC-3'